The following is an entry in ClinVar:

NM_004667.6(HERC2):c.473T>G (p.Val158Gly)

Gene: HERC2 (HECT and RLD domain containing E3 ubiquitin protein ligase 2; minus strand). Cytogenetic location: 15q13.1.
Variant type: single nucleotide variant.
Coding change: c.473T>G on transcript NM_004667.6 (MANE Select); coding-DNA position 473, T replaced by G.
Protein change: p.Val158Gly; replaces valine 158 with glycine.
Molecular consequence: missense variant.
Genome position (GRCh38, 1-based): chr15:28,280,137, A>C on the plus strand (T>G on the coding strand, the complement: HERC2 is on the minus strand). VCF-style: chr15-28280137-A-C. GRCh37 (hg19) VCF-style: chr15-28525283-A-C.
Other names: short protein forms V158G.
Identifiers: ClinVar variation 4082736 (VCV004082736.1).

ClinVar aggregate classification (germline): Uncertain significance (1 of 4 stars; one submission).

Submission:

GeneDx
Classification: Uncertain significance. Last evaluated: 2025-03-06. Review status: criteria provided, single submitter. Criteria: GeneDx Variant Classification Process June 2021. Collection method: clinical testing. Allele origin: germline. Affected: yes.
Comment: Not observed at significant frequency in large population cohorts (gnomAD); In silico analysis indicates that this missense variant does not alter protein structure/function; Has not been previously published as pathogenic or benign to our knowledge